The following is an entry in ClinVar:

ClinVar aggregate classification (germline): Uncertain significance. Review status: criteria provided, multiple submitters, no conflicts (2 of 4 stars). 2 submissions from 2 submitters: Uncertain significance (2). Last evaluated 2026-07-20.

Conditions:
Familial adenomatous polyposis 1 (FAP1). Also called: POLYPOSIS, ADENOMATOUS INTESTINAL; FAMILIAL ADENOMATOUS POLYPOSIS 1, ATTENUATED. Identifiers: MedGen C2713442, MONDO:0021056, OMIM 175100. Disease mechanism: loss of function.
Hereditary cancer-predisposing syndrome. Also called: Hereditary Cancer Syndrome; Hereditary neoplastic syndrome; Neoplastic Syndromes, Hereditary; Tumor predisposition. Identifiers: Orphanet 140162, MedGen C0027672, MeSH D009386, MONDO:0015356.

Submissions (2):

Ambry Genetics
Classification: Uncertain significance for Hereditary cancer-predisposing syndrome. Last evaluated: 2026-07-20. Review status: criteria provided, single submitter. Criteria: Ambry Variant Classification Scheme 2023. Collection method: clinical testing. Allele origin: germline.
Comment: The p.Q2727K variant (also known as c.8179C>A), located in coding exon 15 of the APC gene, results from a C to A substitution at nucleotide position 8179. The glutamine at codon 2727 is replaced by lysine, an amino acid with similar properties. This amino acid position is conserved. In addition, in silico predictors for this gene do not accurately predict pathogenicity. Based on the available evidence, the clinical significance of this variant remains unclear.

Labcorp Genetics (formerly Invitae), Labcorp
Classification: Uncertain significance for Familial adenomatous polyposis 1. Last evaluated: 2023-09-15. Review status: criteria provided, single submitter. Criteria: Invitae Variant Classification Sherloc (09022015). Collection method: clinical testing. Allele origin: germline.
Comment: This variant is not present in population databases (gnomAD no frequency). This sequence change replaces glutamine, which is neutral and polar, with lysine, which is basic and polar, at codon 2727 of the APC protein (p.Gln2727Lys). In summary, the available evidence is currently insufficient to determine the role of this variant in disease. Therefore, it has been classified as a Variant of Uncertain Significance. Advanced modeling of protein sequence and biophysical properties (such as structural, functional, and spatial information, amino acid conservation, physicochemical variation, residue mobility, and thermodynamic stability) performed at Invitae indicates that this missense variant is not expected to disrupt APC protein function. This variant has not been reported in the literature in individuals affected with APC-related conditions.

NM_000038.6(APC):c.8179C>A (p.Gln2727Lys)

Gene: APC (APC regulator of Wnt signaling pathway; plus strand). Cytogenetic location: 5q22.2.
Variant type: single nucleotide variant.
Coding change: c.8179C>A on transcript NM_000038.6 (MANE Select); coding-DNA position 8179, C replaced by A.
Protein change: p.Gln2727Lys; replaces glutamine 2727 with lysine.
Molecular consequence: missense variant. On other transcripts: non-coding transcript variant (2).
Genome position (GRCh38, 1-based): chr5:112,843,773, C>A. VCF-style: chr5-112843773-C-A. GRCh37 (hg19) VCF-style: chr5-112179470-C-A.
Other names: c.8179C>A, p.Gln2727Lys (NM_001127510.3, NM_001354895.2, NM_001407450.1); c.8125C>A, p.Gln2709Lys (NM_001127511.3); c.8233C>A, p.Gln2745Lys (NM_001354896.2, NM_001407447.1, NM_001407448.1 and 1 more transcripts); c.8209C>A, p.Gln2737Lys (NM_001354897.2); c.8104C>A, p.Gln2702Lys (NM_001354898.2); c.8095C>A, p.Gln2699Lys (NM_001354899.2); c.8056C>A, p.Gln2686Lys (NM_001354900.2); c.8002C>A, p.Gln2668Lys (NM_001354901.2, NM_001407453.1); and 12 more; short protein forms Q2343K, Q2567K, Q2668K, Q2720K, Q2727K, Q2755K, Q2636K, Q2644K.
Identifiers: ClinVar variation 2966769 (VCV002966769.4), dbSNP rs2533849794, ClinGen allele CA16039085.